The following is an entry in ClinVar:

ClinVar aggregate classification (germline): Uncertain significance (1 of 4 stars; one submission).

Submission:

GeneDx
Classification: Uncertain significance. Last evaluated: 2020-10-16. Review status: criteria provided, single submitter. Criteria: GeneDx Variant Classification Process June 2021. Collection method: clinical testing. Allele origin: germline. Affected: yes.
Comment: Not observed at significant frequency in large population cohorts (gnomAD); In silico analysis supports that this missense variant has a deleterious effect on protein structure/function; Has not been previously published as pathogenic or benign to our knowledge

NM_006494.4(ERF):c.84G>C (p.Gln28His)

Gene: ERF (ETS2 repressor factor; minus strand). Cytogenetic location: 19q13.2.
Variant type: single nucleotide variant.
Coding change: c.84G>C on transcript NM_006494.4 (MANE Select); coding-DNA position 84, G replaced by C.
Protein change: p.Gln28His; replaces glutamine 28 with histidine.
Molecular consequence: missense variant. On other transcripts: 5 prime UTR variant (3).
Genome position (GRCh38, 1-based): chr19:42,250,504, C>G on the plus strand (G>C on the coding strand, the complement: ERF is on the minus strand). VCF-style: chr19-42250504-C-G. GRCh37 (hg19) VCF-style: chr19-42754656-C-G.
Other names: c.-142G>C (NM_001301035.2, NM_001308402.2, NM_001312656.2); short protein forms Q28H.
Identifiers: ClinVar variation 3340895 (VCV003340895.1).